The following is an entry in ClinVar:

ClinVar aggregate classification (germline): Uncertain significance (1 of 4 stars; one submission).

Conditions:
NRAP-related disorder. Also called: NRAP-related condition.

Submission:

PreventionGenetics, part of Exact Sciences
Classification: Uncertain significance for NRAP-related condition. Last evaluated: 2025-09-08. Review status: criteria provided, single submitter. Criteria: ACMG Guidelines, 2015. Collection method: clinical testing. Allele origin: germline.
Comment: The NRAP c.2020_2021delinsTT variant is predicted to result in an in-frame deletion and insertion. To our knowledge, this variant has not been reported in the literature or in a large population database (gnomAD), indicating this variant is rare. At this time, the clinical significance of this variant is uncertain due to the absence of conclusive functional and genetic evidence.

NM_198060.4(NRAP):c.2020_2021delinsTT (p.Ala674Phe)

Gene: NRAP (nebulin related anchoring protein; minus strand). Cytogenetic location: 10q25.3.
Variant type: Indel.
Coding change: c.2020_2021delinsTT on transcript NM_198060.4 (MANE Select); coding-DNA positions 2020 to 2021, GC replaced by TT.
Protein change: p.Ala674Phe; replaces alanine 674 with phenylalanine.
Molecular consequence: missense variant.
Genome position (GRCh38, 1-based): chr10:113,629,607-113,629,608, GC replaced by AA on the plus strand (GC replaced by TT on the coding strand, the reverse complement: NRAP is on the minus strand). VCF-style: chr10-113629607-GC-AA. GRCh37 (hg19) VCF-style: chr10-115389366-GC-AA.
Other names: c.2020_2021delinsTT, p.Ala674Phe (NM_001261463.2, NM_001322945.2); c.1915_1916delinsTT, p.Ala639Phe (NM_006175.5); short protein forms A639F, A674F.
Identifiers: ClinVar variation 4994147 (VCV004994147.1).
Genomic context (GRCh38, chr10:113,629,607, plus strand): 5'-GCAAGAGATGCATGAAGAGAACTGATAATGTGTGGGCTCACCTCGCTCTGGAGCCCATAG[GC>AA]CTTCTTGGCCCACTGAGTCTTCATATCTTCAGGCAGCACAGTGTATTCATGCAGTTTCTT-3'
Protein context (NP_932326.2, residues 664-684): EDMKTQWAKK[Ala674Phe]YGLQSELQYK